The following is an entry in ClinVar:

ClinVar aggregate classification (germline): Benign/Likely benign. Review status: criteria provided, multiple submitters, no conflicts (2 of 4 stars). 3 submissions from 3 submitters: Benign (1); Likely benign (2). Last evaluated 2026-08-18.

Conditions:
Hereditary diffuse gastric adenocarcinoma (HDGC). Also called: DIFFUSE GASTRIC AND LOBULAR BREAST CANCER SYNDROME. Identifiers: Orphanet 26106, MedGen C1708349, MONDO:0007648, OMIM 137215.
Hereditary cancer-predisposing syndrome. Also called: Hereditary Cancer Syndrome; Hereditary neoplastic syndrome; Neoplastic Syndromes, Hereditary; Tumor predisposition. Identifiers: Orphanet 140162, MedGen C0027672, MeSH D009386, MONDO:0015356.

Submissions (3):

Ambry Genetics
Classification: Likely benign for Hereditary cancer-predisposing syndrome. Last evaluated: 2026-08-18. Review status: criteria provided, single submitter. Criteria: Ambry Variant Classification Scheme 2023. Collection method: clinical testing. Allele origin: germline.

Myriad Genetics, Inc.
Classification: Benign for Hereditary diffuse gastric adenocarcinoma. Last evaluated: 2024-09-13. Review status: criteria provided, single submitter. Criteria: Myriad Autosomal Dominant, Autosomal Recessive and X-Linked Classification Criteria (2023). Collection method: clinical testing. Allele origin: unknown.
Comment: This variant is considered benign. This variant is a silent/synonymous amino acid change and it is not expected to impact splicing.

Labcorp Genetics (formerly Invitae), Labcorp
Classification: Likely benign for Hereditary diffuse gastric adenocarcinoma. Last evaluated: 2022-11-03. Review status: criteria provided, single submitter. Criteria: Invitae Variant Classification Sherloc (09022015). Collection method: clinical testing. Allele origin: germline.

NM_004360.5(CDH1):c.711C>G (p.Ser237=)

Gene: CDH1 (cadherin 1; plus strand). Cytogenetic location: 16q22.1.
Variant type: single nucleotide variant.
Coding change: c.711C>G on transcript NM_004360.5 (MANE Select); coding-DNA position 711, C replaced by G.
Protein change: p.Ser237=; no amino-acid change (serine 237 retained).
Molecular consequence: synonymous variant. On other transcripts: 5 prime UTR variant (2).
Genome position (GRCh38, 1-based): chr16:68,810,220, C>G. VCF-style: chr16-68810220-C-G. GRCh37 (hg19) VCF-style: chr16-68844123-C-G.
Other names: c.711C>G, p.Ser237= (NM_001317184.2); c.-905C>G (NM_001317185.2); c.-1109C>G (NM_001317186.2).
Identifiers: ClinVar variation 2807492 (VCV002807492.5), dbSNP rs1597892308, ClinGen allele CA496152768.
Genomic context (GRCh38, chr16:68,810,220, plus strand): 5'-CATCAGAGCTCAAGTCACCCTCACTTGGTTCTTTCAGCTCTTCTCTCACGCTGTGTCATC[C>G]AACGGGAATGCAGTTGAGGATCCAATGGAGATTTTGATCACGGTAACCGATCAGAATGAC-3'
Protein context (NP_004351.1, residues 227-247): TYTLFSHAVS[Ser237=]NGNAVEDPME